The following is an entry in ClinVar:

NM_020066.5(FMN2):c.2955C>A (p.Gly985=)

Gene: FMN2 (formin 2; plus strand). Cytogenetic location: 1q43.
Variant type: single nucleotide variant.
Coding change: c.2955C>A on transcript NM_020066.5 (MANE Select); coding-DNA position 2955, C replaced by A.
Protein change: p.Gly985=; no amino-acid change (glycine 985 retained).
Molecular consequence: synonymous variant. On other transcripts: intron variant (1).
Genome position (GRCh38, 1-based): chr1:240,207,767, C>A. VCF-style: chr1-240207767-C-A. GRCh37 (hg19) VCF-style: chr1-240371067-C-A.
Other names: c.2967C>A, p.Gly989= (NM_001305424.2); c.1986+19505C>A (NM_001348094.2).
Identifiers: ClinVar variation 2640147 (VCV002640147.25), dbSNP rs373490785, ClinGen allele CA1476922.

ClinVar aggregate classification (germline): Likely benign. Review status: criteria provided, multiple submitters, no conflicts (2 of 4 stars). 2 submissions from 2 submitters: Likely benign (2). Last evaluated 2026-09-01.

Allele frequency attached by ClinVar (database versions not stated): ESP Exome Variant Server 0.00031; ExAC 0.00167.

Submissions (2):

CeGaT Center for Human Genetics Tuebingen
Classification: Likely benign. Last evaluated: 2026-09-01. Review status: criteria provided, single submitter. Criteria: CeGaT Center For Human Genetics Tuebingen Variant Classification Criteria Version 2. Collection method: clinical testing. Allele origin: germline. Affected: yes. Observed: 18 variant alleles.
Comment: FMN2: BP4, BP7

Blueprint Genetics
Classification: Likely benign. Last evaluated: 2024-11-07. Review status: criteria provided, single submitter. Criteria: ACMG Guidelines, 2015. Collection method: clinical testing. Allele origin: germline.